The following is an entry in ClinVar:

ClinVar aggregate classification (germline): Uncertain significance (1 of 4 stars; one submission).

Submission:

Ambry Genetics
Classification: Uncertain significance. Last evaluated: 2026-05-30. Review status: criteria provided, single submitter. Criteria: Ambry Variant Classification Scheme 2023. Collection method: clinical testing. Allele origin: germline.
Comment: The p.M600L variant (also known as c.1798A>C), located in coding exon 1 of the TET2 gene, results from an A to C substitution at nucleotide position 1798. The methionine at codon 600 is replaced by leucine, an amino acid with highly similar properties. This amino acid position is conserved. In addition, this alteration is predicted to be tolerated by in silico analysis. Based on the available evidence, the clinical significance of this variant remains unclear.

NM_001127208.3(TET2):c.1798A>C (p.Met600Leu)

Genes: TET2 (tet methylcytosine dioxygenase 2; plus strand), TET2-AS1 (TET2 antisense RNA 1; minus strand). Cytogenetic location: 4q24.
Variant type: single nucleotide variant.
Coding change: c.1798A>C on transcript NM_001127208.3 (MANE Select); coding-DNA position 1798, A replaced by C.
Protein change: p.Met600Leu; replaces methionine 600 with leucine.
Molecular consequence: missense variant.
Genome position (GRCh38, 1-based): chr4:105,235,740, A>C. VCF-style: chr4-105235740-A-C. GRCh37 (hg19) VCF-style: chr4-106156897-A-C.
Other names: c.1798A>C, p.Met600Leu (NM_017628.4); short protein forms M600L.
Identifiers: ClinVar variation 4865593 (VCV004865593.1).
Genomic context (GRCh38, chr4:105,235,740, plus strand): 5'-AAACGTAATGAGGCATCACTGCCATCAATTCTTCAGTATCAACCCAATCTCTCCAATCAA[A>C]TGACCTCCAAACAATACACTGGAAATTCCAACATGCCTGGGGGGCTCCCAAGGCAAGCTT-3'
Protein context (NP_001120680.1, residues 590-610): LQYQPNLSNQ[Met600Leu]TSKQYTGNSN